The following is an entry in ClinVar:

ClinVar aggregate classification (germline): Uncertain significance (1 of 4 stars; one submission).

Allele frequency attached by ClinVar (database versions not stated): gnomAD exomes below 0.00001.
gnomAD v4.1: 1 of 1,611,454 alleles (0.000062%); highest among the groups gnomAD compares: South Asian, 0.0011%; no homozygotes.

Submission:

Labcorp Genetics (formerly Invitae), Labcorp
Classification: Uncertain significance. Last evaluated: 2019-04-17. Review status: criteria provided, single submitter. Criteria: Invitae Variant Classification Sherloc (09022015). Collection method: clinical testing. Allele origin: germline.
Comment: Algorithms developed to predict the effect of sequence changes on RNA splicing suggest that this variant may create or strengthen a splice site, but this prediction has not been confirmed by published transcriptional studies. This sequence change replaces methionine with arginine at codon 2011 of the POLE protein (p.Met2011Arg). The methionine residue is moderately conserved and there is a moderate physicochemical difference between methionine and arginine. This variant is not present in population databases (ExAC no frequency). This variant has not been reported in the literature in individuals with POLE-related conditions. Algorithms developed to predict the effect of missense changes on protein structure and function (SIFT, PolyPhen-2, Align-GVGD) all suggest that this variant is likely to be tolerated, but these predictions have not been confirmed by published functional studies and their clinical significance is uncertain. In summary, the available evidence is currently insufficient to determine the role of this variant in disease. Therefore, it has been classified as a Variant of Uncertain Significance.

NM_006231.4(POLE):c.6032T>G (p.Met2011Arg)

Gene: POLE (DNA polymerase epsilon, catalytic subunit; minus strand). Cytogenetic location: 12q24.33.
Variant type: single nucleotide variant.
Coding change: c.6032T>G on transcript NM_006231.4 (MANE Select); coding-DNA position 6032, T replaced by G.
Protein change: p.Met2011Arg; replaces methionine 2011 with arginine.
Molecular consequence: missense variant.
Genome position (GRCh38, 1-based): chr12:132,632,768, A>C on the plus strand (T>G on the coding strand, the complement: POLE is on the minus strand). VCF-style: chr12-132632768-A-C. GRCh37 (hg19) VCF-style: chr12-133209354-A-C.
Other names: short protein forms M2011R.
Identifiers: ClinVar variation 949423 (VCV000949423.9), dbSNP rs2041961084, ClinGen allele CA387370830.